The following is an entry in ClinVar:

ClinVar aggregate classification (germline): Pathogenic (1 of 4 stars; one submission).

Submission:

Labcorp Genetics (formerly Invitae), Labcorp
Classification: Pathogenic. Last evaluated: 2024-10-17. Review status: criteria provided, single submitter. Criteria: Invitae Variant Classification Sherloc (09022015). Collection method: clinical testing. Allele origin: germline.
Comment: This sequence change creates a premature translational stop signal (p.Lys105Argfs*13) in the DNAJC21 gene. It is expected to result in an absent or disrupted protein product. Loss-of-function variants in DNAJC21 are known to be pathogenic (PMID: 27346687, 28062395). This variant is present in population databases (rs777941059, gnomAD 0.0009%). This variant has not been reported in the literature in individuals affected with DNAJC21-related conditions. ClinVar contains an entry for this variant (Variation ID: 2181302). For these reasons, this variant has been classified as Pathogenic.

Literature cited by the submitters: PubMed 27346687; PubMed 28062395.

NM_001012339.3(DNAJC21):c.314del (p.Lys105fs)

Gene: DNAJC21 (DnaJ heat shock protein family (Hsp40) member C21; plus strand). Cytogenetic location: 5p13.2.
Variant type: Deletion.
Coding change: c.314del on transcript NM_001012339.3 (MANE Select); coding-DNA position 314, one base deleted (A; older notation c.314delA).
Protein change: p.Lys105fs; shifts the reading frame from lysine 105.
Molecular consequence: frameshift variant.
Genome position (GRCh38, 1-based): chr5:34,935,832, A deleted; the last of 4 consecutive A bases (chr5:34,935,829-34,935,832); deleting any one gives the same sequence. VCF-style (leftmost placement, unchanged base first): chr5-34935828-GA-G. GRCh37 (hg19) VCF-style: chr5-34935933-GA-G.
Other names: c.314del, p.Lys105fs (NM_001348420.2, NM_194283.4); short protein forms K105fs.
Identifiers: ClinVar variation 2181302 (VCV002181302.4), dbSNP rs777941059, ClinGen allele CA3228400.